The following is an entry in ClinVar:

ClinVar aggregate classification (germline): Uncertain significance (1 of 4 stars; one submission).

Allele frequency attached by ClinVar (database versions not stated): gnomAD exomes 0.00001.
gnomAD v4.1: 5 of 1,613,442 alleles (0.00031%); highest among the groups gnomAD compares: Non-Finnish European, 0.00042%; no homozygotes.

Submission:

Labcorp Genetics (formerly Invitae), Labcorp
Classification: Uncertain significance. Last evaluated: 2023-08-04. Review status: criteria provided, single submitter. Criteria: Invitae Variant Classification Sherloc (09022015). Collection method: clinical testing. Allele origin: germline.
Comment: In summary, the available evidence is currently insufficient to determine the role of this variant in disease. Therefore, it has been classified as a Variant of Uncertain Significance. An algorithm developed to predict the effect of missense changes on protein structure and function (PolyPhen-2) suggests that this variant is likely to be disruptive. This variant has not been reported in the literature in individuals affected with MEOX1-related conditions. This variant is not present in population databases (gnomAD no frequency). This sequence change replaces threonine, which is neutral and polar, with alanine, which is neutral and non-polar, at codon 179 of the MEOX1 protein (p.Thr179Ala).

NM_004527.4(MEOX1):c.535A>G (p.Thr179Ala)

Gene: MEOX1 (mesenchyme homeobox 1; minus strand). Cytogenetic location: 17q21.31.
Variant type: single nucleotide variant.
Coding change: c.535A>G on transcript NM_004527.4 (MANE Select); coding-DNA position 535, A replaced by G.
Protein change: p.Thr179Ala; replaces threonine 179 with alanine.
Molecular consequence: missense variant. On other transcripts: intron variant (1).
Genome position (GRCh38, 1-based): chr17:43,643,595, T>C on the plus strand (A>G on the coding strand, the complement: MEOX1 is on the minus strand). VCF-style: chr17-43643595-T-C. GRCh37 (hg19) VCF-style: chr17-41720963-T-C.
Other names: c.190A>G, p.Thr64Ala (NM_001040002.2); c.470-1563A>G (NM_013999.4); short protein forms T64A, T179A.
Identifiers: ClinVar variation 2869247 (VCV002869247.3), dbSNP rs2544290256, ClinGen allele CA399903908.
Genomic context (GRCh38, chr17:43,643,595, plus strand): 5'-GCCGAGTCAGGTAGTTATGATGGGCAAACTCTGCCTCCAGCTCTCGCAGCTGCTCCTTGG[T>C]GAAGGCCGTCCTCTCCTTGCGGGCTTTGCTGCTGCCCTCCGGCTTCCCTCTGTTCTCCTG-3'
Protein context (NP_004518.1, residues 169-189): SKARKERTAF[Thr179Ala]KEQLRELEAE